The following is an entry in ClinVar:

NM_001211.6(BUB1B):c.216T>A (p.Asn72Lys)

Gene: BUB1B (BUB1 mitotic checkpoint serine/threonine kinase B; plus strand). Cytogenetic location: 15q15.1.
Variant type: single nucleotide variant.
Coding change: c.216T>A on transcript NM_001211.6 (MANE Select); coding-DNA position 216, T replaced by A.
Protein change: p.Asn72Lys; replaces asparagine 72 with lysine.
Molecular consequence: missense variant.
Genome position (GRCh38, 1-based): chr15:40,170,098, T>A. VCF-style: chr15-40170098-T-A. GRCh37 (hg19) VCF-style: chr15-40462299-T-A.
Other names: short protein forms N72K.
Identifiers: ClinVar variation 1787070 (VCV001787070.2), dbSNP rs2542515674, ClinGen allele CA391678466.

ClinVar aggregate classification (germline): Uncertain significance (1 of 4 stars; one submission).

Conditions:
Inborn genetic diseases. Identifiers: MedGen C0950123, MeSH D030342.

Submission:

Ambry Genetics
Classification: Uncertain significance for Inborn genetic diseases. Last evaluated: 2021-08-05. Review status: criteria provided, single submitter. Criteria: Ambry Variant Classification Scheme 2023. Collection method: clinical testing. Allele origin: germline.
Comment: The p.N72K variant (also known as c.216T>A), located in coding exon 3 of the BUB1B gene, results from a T to A substitution at nucleotide position 216. The asparagine at codon 72 is replaced by lysine, an amino acid with similar properties. This amino acid position is conserved. In addition, this alteration is predicted to be tolerated by in silico analysis. Since supporting evidence is limited at this time, the clinical significance of this alteration remains unclear.